The following is an entry in ClinVar:

ClinVar aggregate classification (germline): Benign. Review status: criteria provided, single submitter (1 of 4 stars). 2 submissions from 1 submitter: Benign (2). Last evaluated 2018-01-12.

Conditions:
Severe early-childhood-onset retinal dystrophy (STGD1). Also called: STGD; Stargardt macular dystrophy; Juvenile onset macular degeneration; Stargardt disease 1; MACULAR DYSTROPHY WITH FLECKS, TYPE 1. Identifiers: Orphanet 364055, Orphanet 827, MedGen C1855465, MeSH D000080362, MONDO:0009549, OMIM 248200.
Achromatopsia 3 (ACHM3). Also called: PINGELAPESE BLINDNESS; TOTAL COLORBLINDNESS WITH MYOPIA; ROD MONOCHROMACY 1; ROD MONOCHROMATISM 1; ACHROMATOPSIA WITH MYOPIA. Identifiers: Orphanet 49382, MedGen C1849792, MONDO:0009875, OMIM 262300.

Allele frequency attached by ClinVar (database versions not stated): 1000 Genomes Project 30x 0.02217; 1000 Genomes Project 0.01977; gnomAD 0.01933 and 0.01801; TOPMed 0.02056.

Submissions (2):

Illumina Laboratory Services, Illumina
Classification: Benign for Achromatopsia 3. Last evaluated: 2018-01-12. Review status: criteria provided, single submitter. Criteria: ICSL Variant Classification Criteria 13 December 2019. Collection method: clinical testing. Allele origin: germline.
Comment: This variant was observed in the ICSL laboratory as part of a predisposition screen in an ostensibly healthy population. It had not been previously curated by ICSL or reported in the Human Gene Mutation Database (HGMD: prior to June 1st, 2018), and was therefore a candidate for classification through an automated scoring system. Utilizing variant allele frequency, disease prevalence and penetrance estimates, and inheritance mode, an automated score was calculated to assess if this variant is too frequent to cause the disease. Based on the score and internal cut-off values, a variant classified as benign is not then subjected to further curation. The score for this variant resulted in a classification of benign for this disease.

Illumina Laboratory Services, Illumina
Classification: Benign for Severe early-childhood-onset retinal dystrophy. Last evaluated: 2018-01-12. Review status: criteria provided, single submitter. Criteria: ICSL Variant Classification Criteria 13 December 2019. Collection method: clinical testing. Allele origin: germline.
Comment: the same text as in the submission from Illumina Laboratory Services, Illumina above.

NM_019098.5(CNGB3):c.*778T>C

Gene: CNGB3 (cyclic nucleotide gated channel subunit beta 3; minus strand). Cytogenetic location: 8q21.3.
Variant type: single nucleotide variant.
Coding change: c.*778T>C on transcript NM_019098.5 (MANE Select); 778 bases downstream of the stop codon, T replaced by C.
Molecular consequence: 3 prime UTR variant.
Genome position (GRCh38, 1-based): chr8:86,575,026, A>G on the plus strand (T>C on the coding strand, the complement: CNGB3 is on the minus strand). VCF-style: chr8-86575026-A-G. GRCh37 (hg19) VCF-style: chr8-87587254-A-G.
Identifiers: ClinVar variation 363855 (VCV000363855.5), dbSNP rs16915859, ClinGen allele CA10631615.
Genomic context (GRCh38, chr8:86,575,026, plus strand): 5'-TCTGATATCTTTTCCAGCAAGTGCTTGAGGAAGATTCTGATAAGTGTCACTTTAGCCTGT[A>G]TCCTCCAGTCCAAGTCCCTTGAGCCAGATGAGTTAGGTAGATTGGTGTCTTTTAAGTTGG-3'